The following is an entry in ClinVar:

NM_006922.4(SCN3A):c.1546A>T (p.Asn516Tyr)

Gene: SCN3A (sodium voltage-gated channel alpha subunit 3; minus strand). Cytogenetic location: 2q24.3.
Variant type: single nucleotide variant.
Coding change: c.1546A>T on transcript NM_006922.4 (MANE Select); coding-DNA position 1546, A replaced by T.
Protein change: p.Asn516Tyr; replaces asparagine 516 with tyrosine.
Molecular consequence: missense variant.
Genome position (GRCh38, 1-based): chr2:165,146,864, T>A on the plus strand (A>T on the coding strand, the complement: SCN3A is on the minus strand). VCF-style: chr2-165146864-T-A. GRCh37 (hg19) VCF-style: chr2-166003374-T-A.
Other names: c.1546A>T, p.Asn516Tyr (NM_001081676.2, NM_001081677.2); short protein forms N516Y.
Identifiers: ClinVar variation 2110449 (VCV002110449.4), dbSNP rs1341874287, ClinGen allele CA349236518.

ClinVar aggregate classification (germline): Uncertain significance (1 of 4 stars; one submission).

Submission:

Labcorp Genetics (formerly Invitae), Labcorp
Classification: Uncertain significance. Last evaluated: 2022-03-26. Review status: criteria provided, single submitter. Criteria: Invitae Variant Classification Sherloc (09022015). Collection method: clinical testing. Allele origin: germline.
Comment: In summary, the available evidence is currently insufficient to determine the role of this variant in disease. Therefore, it has been classified as a Variant of Uncertain Significance. Algorithms developed to predict the effect of missense changes on protein structure and function (SIFT, PolyPhen-2, Align-GVGD) all suggest that this variant is likely to be tolerated. This variant has not been reported in the literature in individuals affected with SCN3A-related conditions. This variant is not present in population databases (gnomAD no frequency). This sequence change replaces asparagine, which is neutral and polar, with tyrosine, which is neutral and polar, at codon 516 of the SCN3A protein (p.Asn516Tyr).